The following is an entry in ClinVar:

ClinVar aggregate classification (germline): Benign. Review status: criteria provided, multiple submitters, no conflicts (2 of 4 stars). 2 submissions from 2 submitters: Benign (2). Last evaluated 2026-04-22.

gnomAD v4.1: 336 of 1,606,994 alleles (0.021%); highest among the groups gnomAD compares: East Asian, 0.65%; 2 homozygotes.

Submissions (2):

Women's Health and Genetics/Laboratory Corporation of America, LabCorp
Classification: Benign. Last evaluated: 2026-04-22. Review status: criteria provided, single submitter. Criteria: LabCorp Variant Classification Summary - May 2015. Collection method: clinical testing. Allele origin: germline.
Comment: Variant summary: TNXB c.7168+11G>A alters a nucleotide located at a position not widely known to affect splicing. Consensus agreement among computation tools predict no significant impact on normal splicing. However, these predictions have yet to be confirmed by functional studies. The variant allele was found at a frequency of 0.00051 in 242044 control chromosomes, predominantly at a frequency of 0.0066 within the East Asian subpopulation in the gnomAD database, including 1 homozygote. The observed variant frequency within East Asian control individuals in the gnomAD database exceeds the estimated maximal expected allele frequency for disease-causing variants in TNXB. To our knowledge, no occurrence of c.7168+11G>A in individuals affected with TNXB-related conditions and no experimental evidence demonstrating its impact on protein function have been reported. ClinVar contains an entry for this variant (Variation ID: 4773187). Based on the evidence outlined above, the variant was classified as benign.

Labcorp Genetics (formerly Invitae), Labcorp
Classification: Benign. Last evaluated: 2026-01-26. Review status: criteria provided, single submitter. Criteria: Invitae Variant Classification Sherloc (09022015). Collection method: clinical testing. Allele origin: germline.

NM_001365276.2(TNXB):c.7168+11G>A

Gene: TNXB (tenascin XB; minus strand). Cytogenetic location: 6p21.33.
Variant type: single nucleotide variant.
Coding change: c.7168+11G>A on transcript NM_001365276.2 (MANE Select); 11 bases into the intron after coding-DNA position 7168, G replaced by A.
Molecular consequence: intron variant.
Genome position (GRCh38, 1-based): chr6:32,062,146, C>T on the plus strand (G>A on the coding strand, the complement: TNXB is on the minus strand). VCF-style: chr6-32062146-C-T. GRCh37 (hg19) VCF-style: chr6-32029923-C-T.
Other names: c.7168+11G>A (NM_019105.8); c.7909+11G>A (NM_001428335.1).
Identifiers: ClinVar variation 4773187 (VCV004773187.2).